The following is an entry in ClinVar:

NM_000038.6(APC):c.3488_3492del (p.Ser1163fs)

Gene: APC (APC regulator of Wnt signaling pathway; plus strand). Cytogenetic location: 5q22.2.
Variant type: Deletion.
Coding change: c.3488_3492del on transcript NM_000038.6 (MANE Select); coding-DNA positions 3488 to 3492, 5 bases deleted (GCATA; older notation c.3488_3492delGCATA).
Protein change: p.Ser1163fs; shifts the reading frame from serine 1163.
Molecular consequence: frameshift variant.
Genome position (GRCh38, 1-based): chr5:112,839,082-112,839,086, GCATA deleted; deleting any 5 consecutive bases within chr5:112,839,079-112,839,086 gives the same sequence; the c. name uses the placement nearest the transcript's 3' end. VCF-style (leftmost placement, unchanged base first): chr5-112839078-TATAGC-T. GRCh37 (hg19) VCF-style: chr5-112174775-TATAGC-T.
Other names: c.3488_3492del, p.Ser1163fs (NM_001127510.3, NM_001354895.2); c.3434_3438del, p.Ser1145fs (NM_001127511.3); c.3542_3546del, p.Ser1181fs (NM_001354896.2); c.3518_3522del, p.Ser1173fs (NM_001354897.2); c.3413_3417del, p.Ser1138fs (NM_001354898.2); c.3404_3408del, p.Ser1135fs (NM_001354899.2); c.3365_3369del, p.Ser1122fs (NM_001354900.2); c.3311_3315del, p.Ser1104fs (NM_001354901.2); and 5 more; short protein forms S1037fs, S1104fs, S1122fs, S1135fs, S1181fs, S880fs, S1003fs, S1138fs.
Identifiers: ClinVar variation 567441 (VCV000567441.14), dbSNP rs1561585111, ClinGen allele CA891842608.
Genomic context (GRCh38, chr5:112,839,078, plus strand): 5'-AATTATAGTGAACGTTACTCTGAAGAAGAACAGCATGAAGAAGAAGAGAGACCAACAAAT[TATAGC>T]ATAAAATATAATGAAGAGAAACGTCATGTGGATCAGCCTATTGATTATAGTTTAAAATAT-3'

ClinVar aggregate classification (germline): Pathogenic/Likely pathogenic. Review status: criteria provided, multiple submitters, no conflicts (2 of 4 stars). 3 submissions from 3 submitters: Pathogenic (2); Likely pathogenic (1). Last evaluated 2025-08-05.

Conditions:
Hereditary cancer-predisposing syndrome. Also called: Neoplastic Syndromes, Hereditary; Tumor predisposition; Hereditary neoplastic syndrome; Hereditary Cancer Syndrome. Identifiers: Orphanet 140162, MedGen C0027672, MeSH D009386, MONDO:0015356.
Familial adenomatous polyposis 1 (FAP1). Also called: FAMILIAL ADENOMATOUS POLYPOSIS 1, ATTENUATED; POLYPOSIS, ADENOMATOUS INTESTINAL. Identifiers: MedGen C2713442, MONDO:0021056, OMIM 175100. Disease mechanism: loss of function.

Submissions (3):

Ambry Genetics
Classification: Likely pathogenic for Hereditary cancer-predisposing syndrome. Last evaluated: 2025-08-05. Review status: criteria provided, single submitter. Criteria: Ambry Variant Classification Scheme 2023. Collection method: clinical testing. Allele origin: germline.
Comment: The c.3488_3492delGCATA variant, located in coding exon 15 of the APC gene, results from a deletion of 5 nucleotides at nucleotide positions 3488 to 3492, causing a translational frameshift with a predicted alternate stop codon (p.S1163Kfs*3). This alteration occurs at the 3' terminus of theAPC gene, is not expected to trigger nonsense-mediated mRNA decay, and impacts the last 59% of the protein. However, premature stop codons are typically deleterious in nature and a significant portion of the protein is affected (Ambry internal data). This variant was reported in individual(s) with features consistent with APC-related familial adenomatous polyposis (Ambry internal data). This variant is considered to be rare based on population cohorts in the Genome Aggregation Database (gnomAD). Based on the majority of available evidence to date, this variant is likely to be pathogenic.

Myriad Genetics, Inc.
Classification: Pathogenic for Familial adenomatous polyposis 1. Last evaluated: 2023-05-08. Review status: criteria provided, single submitter. Criteria: Myriad Autosomal Dominant, Autosomal Recessive and X-Linked Classification Criteria (2023). Collection method: clinical testing. Allele origin: unknown.
Comment: This variant is considered pathogenic. This variant creates a frameshift predicted to result in premature protein truncation.

Labcorp Genetics (formerly Invitae), Labcorp
Classification: Pathogenic for Familial adenomatous polyposis 1. Last evaluated: 2022-07-29. Review status: criteria provided, single submitter. Criteria: Invitae Variant Classification Sherloc (09022015). Collection method: clinical testing. Allele origin: germline.
Comment: This sequence change creates a premature translational stop signal (p.Ser1163Lysfs*3) in the APC gene. While this is not anticipated to result in nonsense mediated decay, it is expected to disrupt the last 1681 amino acid(s) of the APC protein. This variant is not present in population databases (gnomAD no frequency). This variant has not been reported in the literature in individuals affected with APC-related conditions. ClinVar contains an entry for this variant (Variation ID: 567441). This variant is expected to disrupt the EB1 and HDLG binding sites, which mediate interactions with the cytoskeleton (PMID: 15311282, 17293347). While functional studies have not been performed to directly test the effect on APC protein function, this suggests that disruption of the C-terminal portion of the protein is functionally important. A different truncation (p.Tyr2645Lysfs*14) that lies downstream of this variant has been determined to be pathogenic (PMID: 9824584, 1316610, 27081525, 8381579, 22135120, Invitae). This suggests that deletion of this region of the APC protein is causative of disease. For these reasons, this variant has been classified as Pathogenic.

Literature cited by the submitters: PubMed 15311282 (cited by Labcorp Genetics (formerly Invitae), Labcorp); PubMed 17293347 (cited by Labcorp Genetics (formerly Invitae), Labcorp); PubMed 9824584 (cited by Labcorp Genetics (formerly Invitae), Labcorp); PubMed 1316610 (cited by Labcorp Genetics (formerly Invitae), Labcorp); PubMed 27081525 (cited by Labcorp Genetics (formerly Invitae), Labcorp); PubMed 8381579 (cited by Labcorp Genetics (formerly Invitae), Labcorp); PubMed 22135120 (cited by Labcorp Genetics (formerly Invitae), Labcorp).